The following is an entry in ClinVar:

NM_004364.5(CEBPA):c.797del (p.Ser266fs)

Gene: CEBPA (CCAAT enhancer binding protein alpha; minus strand). Cytogenetic location: 19q13.11.
Variant type: Deletion.
Coding change: c.797del on transcript NM_004364.5 (MANE Select); coding-DNA position 797, one base deleted (G; older notation c.797delG).
Protein change: p.Ser266fs; shifts the reading frame from serine 266.
Molecular consequence: frameshift variant.
Genome position (GRCh38, 1-based): chr19:33,301,618, C deleted on the plus strand (G on the coding strand, the reverse complement: CEBPA is on the minus strand). VCF-style (leftmost placement, unchanged base first): chr19-33301617-AC-A. GRCh37 (hg19) VCF-style: chr19-33792523-AC-A.
Other names: c.440del, p.Ser147fs (NM_001285829.2); c.902del, p.Ser301fs (NM_001287424.2); c.755del, p.Ser252fs (NM_001287435.2); short protein forms S266fs, S147fs, S252fs, S301fs.
Identifiers: ClinVar variation 1515289 (VCV001515289.6), dbSNP rs2145260029, ClinGen allele CA2573156212.
Genomic context (GRCh38, chr19:33,301,617, plus strand): 5'-CCGGTACTCGTTGCTGTTCTTGTCCACCGACTTCTTGGCCTTGCCCGCGCCGCTGCCGCC[AC>A]TCGCGCGGAGGTCGGGGTGCGCGGCGCCCAGCCCCTTGAGCGCGCTGCCAGGGCCCGGCA-3'

ClinVar aggregate classification (germline): Uncertain significance (1 of 4 stars; one submission).

Conditions:
Acute myeloid leukemia (AML). Also called: Leukemia, acute myeloid, somatic; Leukemia, acute myelogenous, somatic; Acute myeloid leukemia, adult; AML adult; Acute non-lymphocytic leukemia; Acute granulocytic leukemia. Identifiers: Orphanet 519, MedGen C0023467, MeSH D015470, MONDO:0018874, OMIM 601626, HP:0004808. Disease mechanism: Constitutively activated FLT3.

Submission:

Labcorp Genetics (formerly Invitae), Labcorp
Classification: Uncertain significance for Acute myeloid leukemia. Last evaluated: 2021-01-08. Review status: criteria provided, single submitter. Criteria: Invitae Variant Classification Sherloc (09022015). Collection method: clinical testing. Allele origin: germline.
Comment: In summary, the available evidence is currently insufficient to determine the role of this variant in disease. Therefore, it has been classified as a Variant of Uncertain Significance. This variant has not been reported in the literature in individuals with CEBPA-related conditions. This variant is not present in population databases (ExAC no frequency). This sequence change creates a premature translational stop signal (p.Ser266Metfs*52) in the CEBPA gene. While this is not anticipated to result in nonsense mediated decay, it is expected to disrupt the last 93 amino acid(s) of the CEBPA protein. Experimental studies and prediction algorithms are not available or were not evaluated, and the functional significance of this variant is currently unknown.